The following is an entry in ClinVar:

NM_004385.5(VCAN):c.6203G>A (p.Gly2068Asp)

Genes: VCAN (versican; plus strand), VCAN-AS1 (VCAN antisense RNA 1; minus strand). Cytogenetic location: 5q14.3.
Variant type: single nucleotide variant.
Coding change: c.6203G>A on transcript NM_004385.5 (MANE Select); coding-DNA position 6203, G replaced by A.
Protein change: p.Gly2068Asp; replaces glycine 2068 with aspartic acid.
Molecular consequence: missense variant. On other transcripts: intron variant (2).
Genome position (GRCh38, 1-based): chr5:83,539,206, G>A. VCF-style: chr5-83539206-G-A. GRCh37 (hg19) VCF-style: chr5-82835025-G-A.
Other names: c.3242G>A, p.Gly1081Asp (NM_001164097.2); c.4004-6331G>A (NM_001164098.2); c.1043-6331G>A (NM_001126336.3); short protein forms G2068D, G1081D.
Identifiers: ClinVar variation 1357665 (VCV001357665.8), dbSNP rs1231330627, ClinGen allele CA360312034.

ClinVar aggregate classification (germline): Uncertain significance (1 of 4 stars; one submission).

Allele frequency attached by ClinVar (database versions not stated): TOPMed below 0.00001.
gnomAD v4.1: 1 of 1,613,968 alleles (0.000062%); highest among the groups gnomAD compares: East Asian, 0.0022%; no homozygotes.

Submission:

Labcorp Genetics (formerly Invitae), Labcorp
Classification: Uncertain significance. Last evaluated: 2022-06-27. Review status: criteria provided, single submitter. Criteria: Invitae Variant Classification Sherloc (09022015). Collection method: clinical testing. Allele origin: germline.
Comment: In summary, the available evidence is currently insufficient to determine the role of this variant in disease. Therefore, it has been classified as a Variant of Uncertain Significance. Algorithms developed to predict the effect of missense changes on protein structure and function output the following: SIFT: "Tolerated"; PolyPhen-2: "Benign"; Align-GVGD: "Class C0". The aspartic acid amino acid residue is found in multiple mammalian species, which suggests that this missense change does not adversely affect protein function. This variant has not been reported in the literature in individuals affected with VCAN-related conditions. This variant is not present in population databases (gnomAD no frequency). This sequence change replaces glycine, which is neutral and non-polar, with aspartic acid, which is acidic and polar, at codon 2068 of the VCAN protein (p.Gly2068Asp).